The following is an entry in ClinVar:

ClinVar aggregate classification (germline): Uncertain significance (1 of 4 stars; one submission).

Conditions:
Colorectal cancer, hereditary nonpolyposis, type 7. Identifiers: Orphanet 144, MedGen C1858380, MONDO:0013725, OMIM 614385.

Submission:

Labcorp Genetics (formerly Invitae), Labcorp
Classification: Uncertain significance for Colorectal cancer, hereditary nonpolyposis, type 7. Last evaluated: 2017-11-22. Review status: criteria provided, single submitter. Criteria: Invitae Variant Classification Sherloc (09022015). Collection method: clinical testing. Allele origin: germline.
Comment: This sequence change replaces lysine with glutamic acid at codon 619 of the MLH3 protein (p.Lys619Glu). The lysine residue is moderately conserved and there is a small physicochemical difference between lysine and glutamic acid. In summary, the available evidence is currently insufficient to determine the role of this variant in disease. Therefore, it has been classified as a Variant of Uncertain Significance. Algorithms developed to predict the effect of missense changes on protein structure and function output the following: SIFT: "Tolerated"; PolyPhen-2: "Benign"; Align-GVGD: "Class C0". The glutamic acid amino acid residue is found in multiple mammalian species, suggesting that this missense change does not adversely affect protein function. These predictions have not been confirmed by published functional studies and their clinical significance is uncertain. This variant has not been reported in the literature in individuals with MLH3-related disease. This variant is not present in population databases (ExAC no frequency).

NM_001040108.2(MLH3):c.1855A>G (p.Lys619Glu)

Gene: MLH3 (mutL homolog 3; minus strand). Cytogenetic location: 14q24.3.
Variant type: single nucleotide variant.
Coding change: c.1855A>G on transcript NM_001040108.2 (MANE Select); coding-DNA position 1855, A replaced by G.
Protein change: p.Lys619Glu; replaces lysine 619 with glutamic acid.
Molecular consequence: missense variant.
Genome position (GRCh38, 1-based): chr14:75,047,801, T>C on the plus strand (A>G on the coding strand, the complement: MLH3 is on the minus strand). VCF-style: chr14-75047801-T-C. GRCh37 (hg19) VCF-style: chr14-75514504-T-C.
Other names: c.1855A>G, p.Lys619Glu (NM_014381.3); short protein forms K619E.
Identifiers: ClinVar variation 544284 (VCV000544284.8), dbSNP rs1555345545, ClinGen allele CA390444013.
Genomic context (GRCh38, chr14:75,047,801, plus strand): 5'-GGGCACGTGTGGGACCAGGTCTAACATAATTTTTAAATGAATGTTCTGTTTCAGTTGATT[T>C]AGTTTTTTCATTTTGTACTACATGAGTTATAAAGCCAGTGGAACATAATTTAACTCGCCC-3'
Protein context (NP_001035197.1, residues 609-629): ITHVVQNEKT[Lys619Glu]STETEHSFKN